The following is an entry in ClinVar:

NM_002303.6(LEPR):c.136T>C (p.Tyr46His)

Gene: LEPR (leptin receptor; plus strand). Cytogenetic location: 1p31.3.
Variant type: single nucleotide variant.
Coding change: c.136T>C on transcript NM_002303.6 (MANE Select); coding-DNA position 136, T replaced by C.
Protein change: p.Tyr46His; replaces tyrosine 46 with histidine.
Molecular consequence: missense variant.
Genome position (GRCh38, 1-based): chr1:65,570,568, T>C. VCF-style: chr1-65570568-T-C. GRCh37 (hg19) VCF-style: chr1-66036251-T-C.
Other names: c.136T>C, p.Tyr46His (NM_001003679.3, NM_001003680.3, NM_001198687.2 and 2 more transcripts); short protein forms Y46H.
Identifiers: ClinVar variation 4986964 (VCV004986964.1).

ClinVar aggregate classification (germline): Uncertain significance (1 of 4 stars; one submission).

Conditions:
LEPR-related disorder. Also called: LEPR-related disorders; LEPR-related condition.

gnomAD v4.1: 19 of 1,613,918 alleles (0.0012%); highest among the groups gnomAD compares: Non-Finnish European, 0.0015%; no homozygotes.

Submission:

PreventionGenetics, part of Exact Sciences
Classification: Uncertain significance for LEPR-related condition. Last evaluated: 2026-04-15. Review status: criteria provided, single submitter. Criteria: ACMG Guidelines, 2015. Collection method: clinical testing. Allele origin: germline.
Comment: The LEPR c.136T>C variant is predicted to result in the amino acid substitution p.Tyr46His. This variant was observed in a cohort of individuals with obesity, and in vitro functional studies showed inconclusive evidence of loss of function (Supplemental Data Set, Shah et al. 2023. PubMed ID: 36864747). This variant is reported in 0.0053% of alleles in individuals of European (Non-Finnish) descent in gnomAD. At this time, the clinical significance of this variant is uncertain due to the absence of conclusive functional and genetic evidence.